The following is an entry in ClinVar:

ClinVar aggregate classification (germline): Uncertain significance (1 of 4 stars; one submission).

Allele frequency attached by ClinVar (database versions not stated): ExAC 0.00001.
gnomAD v4.1: 13 of 1,613,760 alleles (0.00081%); highest among the groups gnomAD compares: Non-Finnish European, 0.0011%; no homozygotes.

Submission:

Ambry Genetics
Classification: Uncertain significance. Last evaluated: 2024-02-16. Review status: criteria provided, single submitter. Criteria: Ambry Variant Classification Scheme 2023. Collection method: clinical testing. Allele origin: germline.
Comment: The p.E469K variant (also known as c.1405G>A), located in coding exon 13 of the RAD54L gene, results from a G to A substitution at nucleotide position 1405. The glutamic acid at codon 469 is replaced by lysine, an amino acid with similar properties. This amino acid position is conserved. In addition, this alteration is predicted to be tolerated by in silico analysis. Based on the available evidence, the clinical significance of this alteration remains unclear.

NM_003579.4(RAD54L):c.1405G>A (p.Glu469Lys)

Gene: RAD54L (RAD54 like; plus strand). Cytogenetic location: 1p34.1.
Variant type: single nucleotide variant.
Coding change: c.1405G>A on transcript NM_003579.4 (MANE Select); coding-DNA position 1405, G replaced by A.
Protein change: p.Glu469Lys; replaces glutamic acid 469 with lysine.
Molecular consequence: missense variant.
Genome position (GRCh38, 1-based): chr1:46,273,384, G>A. VCF-style: chr1-46273384-G-A. GRCh37 (hg19) VCF-style: chr1-46739056-G-A.
Other names: c.1405G>A, p.Glu469Lys (NM_001142548.2); c.865G>A, p.Glu289Lys (NM_001370766.1); short protein forms E289K, E469K.
Identifiers: ClinVar variation 3223410 (VCV003223410.1), dbSNP rs766810268, ClinGen allele CA834603.